The following is an entry in ClinVar:

ClinVar aggregate classification (germline): Uncertain significance. Review status: criteria provided, multiple submitters, no conflicts (2 of 4 stars). 2 submissions from 2 submitters: Uncertain significance (2). Last evaluated 2026-03-25.

Conditions:
Myopathy, lactic acidosis, and sideroblastic anemia 2 (MLASA2). Identifiers: Orphanet 2598, MedGen C3150802, MONDO:0013307, OMIM 613561.
Inborn genetic diseases. Identifiers: MedGen C0950123, MeSH D030342.

gnomAD v4.1: 9 of 1,613,766 alleles (0.00056%); highest among the groups gnomAD compares: East Asian, 0.02%; no homozygotes.

Submissions (2):

Victorian Clinical Genetics Services, Murdoch Childrens Research Institute
Classification: Uncertain significance for Myopathy, lactic acidosis, and sideroblastic anemia 2. Last evaluated: 2026-03-25. Review status: criteria provided, single submitter. Criteria: ACMG Guidelines, 2015. Collection method: clinical testing. Allele origin: germline. Affected: yes.
Comment: This variant is classified as VUS-3A. Evidence in support of pathogenic classification: Variant is present in gnomAD <0.01 for a recessive condition (v4: 9 heterozygotes, 0 homozygotes) ; Very strong and specific phenotype match for this individual. Abundance of the protein is reduced in the probands cells (peripheral blood mononuclear cells and lymphoblasts) compared to controls. Additional information: Variant is predicted to result in a missense amino acid change from methionine to lysine; This variant is heterozygous; This gene is associated with autosomal recessive disease; Alternative amino acid change(s) at the same position are present in gnomAD (Highest alelle count: v4: 6 heterozygote(s), 0 homozygote(s)) ; Previous evidence of pathogenicity for this variant is inconclusive. This variant has been classified as a VUS by a clinical laboratory in ClinVar; No published segregation evidence has been identified for this variant; No comparable missense variants have previous evidence for pathogenicity; Variant is not located in an established domain, motif, hotspot or informative constraint region; Missense variant with inconclusive in silico prediction and uninformative conservation; Loss of function is a known mechanism of disease in this gene and is associated with myopathy, lactic acidosis, and sideroblastic anemia 2 (MIM#613561); Variants in this gene are known to have variable expressivity (OMIM).

Ambry Genetics
Classification: Uncertain significance for Inborn genetic diseases. Last evaluated: 2024-03-30. Review status: criteria provided, single submitter. Criteria: Ambry Variant Classification Scheme 2023. Collection method: clinical testing. Allele origin: germline.

NM_001040436.3(YARS2):c.1283T>A (p.Met428Lys)

Gene: YARS2 (tyrosyl-tRNA synthetase 2; minus strand). Cytogenetic location: 12p11.21.
Variant type: single nucleotide variant.
Coding change: c.1283T>A on transcript NM_001040436.3 (MANE Select); coding-DNA position 1283, T replaced by A.
Protein change: p.Met428Lys; replaces methionine 428 with lysine.
Molecular consequence: missense variant.
Genome position (GRCh38, 1-based): chr12:32,747,355, A>T on the plus strand (T>A on the coding strand, the complement: YARS2 is on the minus strand). VCF-style: chr12-32747355-A-T. GRCh37 (hg19) VCF-style: chr12-32900289-A-T.
Other names: short protein forms M428K.
Identifiers: ClinVar variation 3333621 (VCV003333621.4).